The following is an entry in ClinVar:

ClinVar aggregate classification (germline): Uncertain significance (1 of 4 stars; one submission).

Conditions:
Long QT syndrome (LQTS). Identifiers: MedGen C0023976, MeSH D008133, MONDO:0002442. Disease mechanism: loss of function. Inheritance: Various modes of inheritance.

gnomAD v4.1: 1 of 1,593,662 alleles (0.000063%); highest among the groups gnomAD compares: African/African-American, 0.0013%; no homozygotes.

Submission:

Labcorp Genetics (formerly Invitae), Labcorp
Classification: Uncertain significance for Long QT syndrome. Last evaluated: 2025-04-27. Review status: criteria provided, single submitter. Criteria: Invitae Variant Classification Sherloc (09022015). Collection method: clinical testing. Allele origin: germline.
Comment: This sequence change replaces glycine, which is neutral and non-polar, with arginine, which is basic and polar, at codon 2026 of the CACNA1C protein (p.Gly2026Arg). This variant is not present in population databases (gnomAD no frequency). This variant has not been reported in the literature in individuals affected with CACNA1C-related conditions. Invitae Evidence Modeling of protein sequence and biophysical properties (such as structural, functional, and spatial information, amino acid conservation, physicochemical variation, residue mobility, and thermodynamic stability) indicates that this missense variant is not expected to disrupt CACNA1C protein function with a negative predictive value of 95%. In summary, the available evidence is currently insufficient to determine the role of this variant in disease. Therefore, it has been classified as a Variant of Uncertain Significance.

NM_000719.7(CACNA1C):c.6076G>A (p.Gly2026Arg)

Genes: CACNA1C (calcium voltage-gated channel subunit alpha1 C; plus strand), CACNA1C-AS1 (CACNA1C antisense RNA 1; minus strand). Cytogenetic location: 12p13.33.
Variant type: single nucleotide variant.
Coding change: c.6076G>A on transcript NM_000719.7 (MANE Select); coding-DNA position 6076, G replaced by A.
Protein change: p.Gly2026Arg; replaces glycine 2026 with arginine.
Molecular consequence: missense variant.
Genome position (GRCh38, 1-based): chr12:2,688,738, G>A. VCF-style: chr12-2688738-G-A. GRCh37 (hg19) VCF-style: chr12-2797904-G-A.
Other names: c.6220G>A, p.Gly2074Arg (NM_001129827.2); c.6199G>A, p.Gly2067Arg (NM_001129829.2); c.6181G>A, p.Gly2061Arg (NM_001129830.3, NM_001167624.3); c.6160G>A, p.Gly2054Arg (NM_001129831.2); c.6136G>A, p.Gly2046Arg (NM_001129832.2); c.6133G>A, p.Gly2045Arg (NM_001129833.2, NM_001129834.2, NM_001129835.2); c.6127G>A, p.Gly2043Arg (NM_001129836.2); c.6100G>A, p.Gly2034Arg (NM_001129837.2, NM_001129838.2); and 6 more; short protein forms G2026R, G2032R, G2045R, G2046R, G2074R, G2086R, G2034R, G2054R.
Identifiers: ClinVar variation 4691950 (VCV004691950.1).
Genomic context (GRCh38, chr12:2,688,738, plus strand): 5'-AGCGCCGCCCGGAGAGTCCGGCCCGTCTCCCTCATGGTGCCCAGCCAGGCTGGGGCCCCA[G>A]GGAGGCAGTTCCACGGCAGTGCCAGCAGCCTGGTGGAAGCGGTAGGTGACTCGCAGATGG-3'
Protein context (NP_000710.5, residues 2016-2036): LMVPSQAGAP[Gly2026Arg]RQFHGSASSL